The following is an entry in ClinVar:

ClinVar aggregate classification (germline): Benign (1 of 4 stars; one submission).

Allele frequency attached by ClinVar (database versions not stated): gnomAD exomes 0.02840; 1000 Genomes Project 0.06390; gnomAD 0.06442 and 0.06769; 1000 Genomes Project 30x 0.06621; TOPMed 0.07024.
gnomAD v4.1: 22,110 of 583,232 alleles (3.8%); highest among the groups gnomAD compares: African/African-American, 17%; 1,004 homozygotes.

Submission:

GeneDx
Classification: Benign. Last evaluated: 2018-06-14. Review status: criteria provided, single submitter. Criteria: GeneDx Variant Classification (06012015). Collection method: clinical testing. Allele origin: germline. Affected: yes.
Comment: This variant is considered likely benign or benign based on one or more of the following criteria: it is a conservative change, it occurs at a poorly conserved position in the protein, it is predicted to be benign by multiple in silico algorithms, and/or has population frequency not consistent with disease.

NM_177550.5(SLC13A5):c.1275+204A>G

Gene: SLC13A5 (solute carrier family 13 member 5; minus strand). Cytogenetic location: 17p13.1.
Variant type: single nucleotide variant.
Coding change: c.1275+204A>G on transcript NM_177550.5 (MANE Select); 204 bases into the intron after coding-DNA position 1275, A replaced by G.
Molecular consequence: intron variant.
Genome position (GRCh38, 1-based): chr17:6,692,840, T>C on the plus strand (A>G on the coding strand, the complement: SLC13A5 is on the minus strand). VCF-style: chr17-6692840-T-C. GRCh37 (hg19) VCF-style: chr17-6596159-T-C.
Other names: c.1146+204A>G (NM_001284510.2); c.1224+204A>G (NM_001284509.2); c.1275+204A>G (NM_001143838.3).
Identifiers: ClinVar variation 673997 (VCV000673997.1), dbSNP rs16956162, ClinGen allele CA14480149.
Genomic context (GRCh38, chr17:6,692,840, plus strand): 5'-CAGTGTCCTCTGCCTCTCTTGGCTAACCACGGTCACTCATTCACTCATTCCTGCAATCGC[T>C]CAAAGGTTACTTTCTGTCTTCCAGGCCCTGTGTGTGGTGTAGAGTTCCTAGATGACAAGA-3'